The following is an entry in ClinVar:

ClinVar aggregate classification (germline): Uncertain significance (1 of 4 stars; one submission).

Conditions:
Primary ciliary dyskinesia. Also called: Ciliary dyskinesia. Identifiers: Orphanet 244, MedGen C0008780, MONDO:0016575, HP:0012265.

gnomAD v4.1: 108 of 1,612,304 alleles (0.0067%); highest among the groups gnomAD compares: East Asian, 0.025%; no homozygotes.

Submission:

Labcorp Genetics (formerly Invitae), Labcorp
Classification: Uncertain significance for Primary ciliary dyskinesia. Last evaluated: 2024-10-21. Review status: criteria provided, single submitter. Criteria: Invitae Variant Classification Sherloc (09022015). Collection method: clinical testing. Allele origin: germline.
Comment: This sequence change replaces arginine, which is basic and polar, with tryptophan, which is neutral and slightly polar, at codon 3837 of the DNAH8 protein (p.Arg3837Trp). This variant is present in population databases (rs769053473, gnomAD 0.005%). This variant has not been reported in the literature in individuals affected with DNAH8-related conditions. Invitae Evidence Modeling of protein sequence and biophysical properties (such as structural, functional, and spatial information, amino acid conservation, physicochemical variation, residue mobility, and thermodynamic stability) indicates that this missense variant is expected to disrupt DNAH8 protein function with a positive predictive value of 80%. In summary, the available evidence is currently insufficient to determine the role of this variant in disease. Therefore, it has been classified as a Variant of Uncertain Significance.

NM_001206927.2(DNAH8):c.11509C>T (p.Arg3837Trp)

Genes: DNAH8 (dynein axonemal heavy chain 8; plus strand), DNAH8-AS1 (DNAH8 antisense RNA 1; minus strand). Cytogenetic location: 6p21.2.
Variant type: single nucleotide variant.
Coding change: c.11509C>T on transcript NM_001206927.2 (MANE Select); coding-DNA position 11509, C replaced by T.
Protein change: p.Arg3837Trp; replaces arginine 3837 with tryptophan.
Molecular consequence: missense variant.
Genome position (GRCh38, 1-based): chr6:38,935,643, C>T. VCF-style: chr6-38935643-C-T. GRCh37 (hg19) VCF-style: chr6-38903419-C-T.
Other names: c.10858C>T, p.Arg3620Trp (NM_001371.4); short protein forms R3620W, R3837W.
Identifiers: ClinVar variation 3651264 (VCV003651264.2).